The following is an entry in ClinVar:

NM_002095.6(GTF2E2):c.109A>G (p.Lys37Glu)

Gene: GTF2E2 (general transcription factor IIE subunit 2; minus strand). Cytogenetic location: 8p12.
Variant type: single nucleotide variant.
Coding change: c.109A>G on transcript NM_002095.6 (MANE Select); coding-DNA position 109, A replaced by G.
Protein change: p.Lys37Glu; replaces lysine 37 with glutamic acid.
Molecular consequence: missense variant.
Genome position (GRCh38, 1-based): chr8:30,653,490, T>C on the plus strand (A>G on the coding strand, the complement: GTF2E2 is on the minus strand). VCF-style: chr8-30653490-T-C. GRCh37 (hg19) VCF-style: chr8-30511007-T-C.
Other names: c.109A>G, p.Lys37Glu (NM_001348353.1); short protein forms K37E.
Identifiers: ClinVar variation 1507755 (VCV001507755.8), dbSNP rs2128731122, ClinGen allele CA370877325.

ClinVar aggregate classification (germline): Uncertain significance (1 of 4 stars; one submission).

Submission:

Labcorp Genetics (formerly Invitae), Labcorp
Classification: Uncertain significance. Last evaluated: 2020-12-21. Review status: criteria provided, single submitter. Criteria: Invitae Variant Classification Sherloc (09022015). Collection method: clinical testing. Allele origin: germline.
Comment: This sequence change replaces lysine with glutamic acid at codon 37 of the GTF2E2 protein (p.Lys37Glu). The lysine residue is moderately conserved and there is a small physicochemical difference between lysine and glutamic acid. This variant is not present in population databases (ExAC no frequency). This variant has not been reported in the literature in individuals with GTF2E2-related conditions. Algorithms developed to predict the effect of missense changes on protein structure and function (SIFT, PolyPhen-2, Align-GVGD) all suggest that this variant is likely to be tolerated, but these predictions have not been confirmed by published functional studies and their clinical significance is uncertain. Algorithms developed to predict the effect of sequence changes on RNA splicing suggest that this variant may create or strengthen a splice site, but this prediction has not been confirmed by published transcriptional studies. In summary, the available evidence is currently insufficient to determine the role of this variant in disease. Therefore, it has been classified as a Variant of Uncertain Significance.